The following is an entry in ClinVar:

ClinVar aggregate classification (germline): Pathogenic. Review status: reviewed by expert panel (3 of 4 stars). 23 submissions from 23 submitters: Pathogenic (1). 22 of the submissions do not count toward it. Last evaluated 2024-07-23.

Conditions:
Retinitis pigmentosa 87 with choroidal involvement. Identifiers: MedGen C5231465, MONDO:0032873, OMIM 618697.
Retinitis pigmentosa 20 (RP20). Identifiers: Orphanet 791, MedGen C3151086, MONDO:0013425, OMIM 613794.
Leber congenital amaurosis 2 (LCA2). Also called: AMAUROSIS CONGENITA OF LEBER II; Autosomal Recessive RPE65-Related Retinal Degeneration. Identifiers: Orphanet 65, MedGen C1859844, MONDO:0008765, OMIM 204100. Disease mechanism: loss of function.
RPE65-related disorder. Also called: RPE65-related condition; RPE65-related disorders. Identifiers: MedGen CN239301.
Leber congenital amaurosis (LCA). Also called: Leber's amaurosis. Identifiers: Orphanet 65, MedGen C0339527, MeSH D057130, MONDO:0018998.
RPE65-related recessive retinopathy. Also called: Recessive RPE65 retinopathy. Identifiers: MedGen CN305526, MONDO:0100368.
Retinal dystrophy. Also called: Inherited retinal dystrophy. Identifiers: Orphanet 71862, MedGen C0854723, MeSH D058499, MONDO:0019118, HP:0000556.
Retinitis pigmentosa (RP). Identifiers: Orphanet 791, MedGen C0035334, MeSH D012174, MONDO:0019200, OMIM 268000. Inheritance: Autosomal dominant, autosomal recessive and X linked inheritance.
Autosomal recessive retinitis pigmentosa. Identifiers: MedGen C0339526.
Abnormality of the eye. Identifiers: MedGen C4316870, HP:0000478.

Allele frequency attached by ClinVar (database versions not stated): gnomAD 0.00006 and 0.00007; gnomAD exomes 0.00006 and 0.00007; ExAC 0.00008; TOPMed 0.00012; 1000 Genomes Project 30x 0.00016; 1000 Genomes Project 0.00020.
gnomAD v4.1: 118 of 1,614,078 alleles (0.0073%); highest among the groups gnomAD compares: African/African-American, 0.021%; no homozygotes.

Submissions 1 to 4 of 23:

ClinGen Leber Congenital Amaurosis/early Onset Retinal Dystrophy Variant Curation Expert Panel, ClinGen
Classification: Pathogenic for RPE65-related recessive retinopathy. Last evaluated: 2024-07-23. Review status: reviewed by expert panel. Criteria: ClinGen LCAeoRD ACMG Specifications RPE65 V1.0.0. Collection method: curation. Allele origin: germline. Inheritance: Autosomal recessive inheritance.
Comment: NM_000329.3(RPE65):c.271C>T (p.Arg91Trp) is a missense variant predicted to replace arginine with tryptophan at position 91. This variant is present in gnomAD v.4.1.0 at a GrpMax allele frequency of 0.0001329, with 16 alleles / 74990 total alleles in the African / African-American population, which is lower than the ClinGen LCA / eoRD VCEP PM2_Supporting threshold of <0.0002 (PM2_Supporting). This variant has been reported in at least 4 apparently unrelated probands with early-onset severe retinal dystrophy who were homozygous for the variant (1 point, PMIDs: 35129589, 18722466). This variant has also been reported in at least 2 probands with early-onset severe retinal dystrophy who were compound heterozygous with either the NM_000329.3(RPE65):c.11+5G>A or NM_000329.3(RPE65):c.272G>A (p.Arg91Gln) variants suspected in trans (1 point, PMIDs: 35129589, 33952291), both of which were previously classified pathogenic by the ClinGen LCA / eoRD VCEP (2 total points, PM3_Strong). At least one proband harboring this variant was genotyped by next-generation sequencing analysis of 586 candidate genes which did not provide an alternative explanation for visual impairment (2 pts) and exhibits a phenotype including congenital onset (1 pt), abnormal best corrected visual acuity test (1 pt), mild myopia, extinguished scotopic (0.5 pts) and photopic (1 pt) ERG responses, bone spicule pigmentation of the fundus (0.5 pts), white or yellow dots in fundus (2 pts), and nystagmus (1 pt), which together are highly specific for RPE65-related recessive retinopathy (9 total points, PMID: 31925606, PP4_Moderate). The variant has been reported to segregate with childhood-onset severe retinal dystrophy through the proband plus 2 similarly affected relatives, with the variant present in the homozygous state (PMID: 31925606, PP1_Moderate). The computational predictor REVEL gives a score of 0.852, which is above the ClinGen LCA/eoRD VCEP threshold of ≥ 0.773 and predicts a damaging effect on RPE65 function (PP3_Moderate). The splicing impact predictor SpliceAI gives a score of 0.22, which is above the ClinGen LCA / eoRD VCEP recommended threshold of ≥ 0.2 and predicts a damaging impact on splicing. Another missense variant in the same codon, NM_000329.3(RPE65):c.272G>A (p.Arg91Gln), has been classified as pathogenic for RPE65-related recessive retinopathy by the ClinGen LCA / eoRD VCEP (PM5). Splicing predictions using SpliceAI are equivalent for both of these variants. The variant exhibited 0% enzymatic activity in a retinoid isomerase assay relative to the wild-type control, which is lower than the ClinGen LCA/eoRD PS3_Supporting threshold of <10% activity, indicating that it triggers a severe defect in protein function (PMID: 16754667, PS3_Supporting). In summary, this variant meets the criteria to be classified as pathogenic for RPE65-related recessive retinopathy based on the ACMG/AMP criteria applied, as specified by the ClinGen LCA / eoRD VCEP: PM2_Supporting, PM3_strong, PP4_moderate, PP1_moderate, PP3_moderate, PM5, and PS3_supporting. (VCEP specifications version 1.0.0; date of approval 09/21/2023).

PreventionGenetics, part of Exact Sciences
Classification: Pathogenic for RPE65-related condition. Last evaluated: 2026-08-20. Review status: criteria provided, single submitter. Criteria: ACMG Guidelines, 2015. Collection method: clinical testing. Allele origin: germline. Not counted in ClinVar's aggregate classification.
Comment: The RPE65 c.271C>T variant is predicted to result in the amino acid substitution p.Arg91Trp. This variant has been reported, either in the homozygous state or in the heterozygous state along with a second known or possible causative variant, in individuals with retinitis pigmentosa (see for example: Morimura et al. 1998. PubMed ID: 9501220; Philp et al. 2009. PubMed ID: 19431183; Maguire et al. 2009. PubMed ID: 19854499; Ripamonti et al. 2014. PubMed ID: 25257057; Habibi et al. 2016. PubMed ID: 27874104; Chung et al. 2018. PubMed ID: 30268864; Li et al. 2019. PubMed ID: 31273949). This variant is present in 0.024% of alleles in individuals of African descent in gnomAD. This variant has been classified as pathogenic by a ClinGen Variant Curation Expert Panel in ClinVar (Variation ID: 13115). Given the evidence, we interpret this variant as pathogenic.

Labcorp Genetics (formerly Invitae), Labcorp
Classification: Pathogenic for Leber congenital amaurosis 2; Retinitis pigmentosa 20. Last evaluated: 2026-01-19. Review status: criteria provided, single submitter. Criteria: Invitae Variant Classification Sherloc (09022015). Collection method: clinical testing. Allele origin: germline. Not counted in ClinVar's aggregate classification.
Comment: This sequence change replaces arginine, which is basic and polar, with tryptophan, which is neutral and slightly polar, at codon 91 of the RPE65 protein (p.Arg91Trp). This variant is present in population databases (rs61752871, gnomAD 0.03%). This missense change has been observed in individual(s) with autosomal recessive RPE65-related conditions (PMID: 9501220, 10766140, 10937591, 11095629, 18682808, 26626312; internal data). In at least one individual the data is consistent with being in trans (on the opposite chromosome) from a pathogenic variant. It has also been observed to segregate with disease in related individuals. ClinVar contains an entry for this variant (Variation ID: 13115). Invitae Evidence Modeling of protein sequence and biophysical properties (such as structural, functional, and spatial information, amino acid conservation, physicochemical variation, residue mobility, and thermodynamic stability) indicates that this missense variant is expected to disrupt RPE65 protein function with a positive predictive value of 80%. Experimental studies have shown that this missense change affects RPE65 function (PMID: 16754667, 25752820). Algorithms developed to predict the effect of sequence changes on RNA splicing suggest that this variant may disrupt the consensus splice site. For these reasons, this variant has been classified as Pathogenic.

Natera, Inc.
Classification: Pathogenic for Leber congenital amaurosis. Last evaluated: 2025-06-17. Review status: criteria provided, single submitter. Criteria: Natera Variant Classification Schema (03/2026). Collection method: clinical testing. Allele origin: germline. Not counted in ClinVar's aggregate classification.
Comment: The c.271C>T variant in RPE65 is a missense variant predicted to cause substitution of arginine to tryptophan at amino acid 91. This variant is rare in the general population with a frequency below the threshold expected for the associated phenotype(s). This variant has been observed in one or more individuals affected with the associated recessive disease, as either homozygous or compound heterozygous with a second variant (PMID: 33952291, 19431183). Functional studies show that this variant may disrupt protein function (PMID: 19431183). Computational prediction algorithms indicate this variant is likely to affect gene or protein function. Given the available evidence, this variant is classified as Pathogenic.

NM_000329.3(RPE65):c.271C>T (p.Arg91Trp)

Gene: RPE65 (retinoid isomerohydrolase RPE65; minus strand). Cytogenetic location: 1p31.3.
Variant type: single nucleotide variant.
Coding change: c.271C>T on transcript NM_000329.3 (MANE Select); coding-DNA position 271, C replaced by T.
Protein change: p.Arg91Trp; replaces arginine 91 with tryptophan.
Molecular consequence: missense variant.
Genome position (GRCh38, 1-based): chr1:68,444,858, G>A on the plus strand (C>T on the coding strand, the complement: RPE65 is on the minus strand). VCF-style: chr1-68444858-G-A. GRCh37 (hg19) VCF-style: chr1-68910541-G-A.
Other names: NM_000329.3(RPE65):c.271C>T; short protein forms R91W.
Identifiers: ClinVar variation 13115 (VCV000013115.78), dbSNP rs61752871, ClinGen allele CA226531.